The following is an entry in ClinVar:

ClinVar aggregate classification (germline): Conflicting classifications of pathogenicity. Review status: criteria provided, conflicting classifications (1 of 4 stars). 3 submissions from 3 submitters: Uncertain significance (2); Likely benign (1). Last evaluated 2023-06-19.

Conditions:
Dilated cardiomyopathy 1G (CMD1G). Identifiers: Orphanet 154, MedGen C1858763, MONDO:0011400, OMIM 604145.
Autosomal recessive limb-girdle muscular dystrophy type 2J (LGMDR10). Also called: Limb-girdle muscular dystrophy, type 2J; MUSCULAR DYSTROPHY, LIMB-GIRDLE, AUTOSOMAL RECESSIVE 10. Identifiers: Orphanet 140922, MedGen C1837342, MONDO:0012127, OMIM 608807.
Cardiovascular phenotype. Identifiers: MedGen CN230736.

Allele frequency attached by ClinVar (database versions not stated): gnomAD exomes 0.00001 and 0.00002; TOPMed 0.00002; ExAC 0.00003; gnomAD 0.00003; ESP Exome Variant Server 0.00008.
gnomAD v4.1: 15 of 1,577,986 alleles (0.00095%); highest among the groups gnomAD compares: Admixed American, 0.0055%; no homozygotes.

Submissions (3):

Ambry Genetics
Classification: Likely benign for Cardiovascular phenotype. Last evaluated: 2023-06-19. Review status: criteria provided, single submitter. Criteria: Ambry Variant Classification Scheme 2023. Collection method: clinical testing. Allele origin: germline.

Labcorp Genetics (formerly Invitae), Labcorp
Classification: Uncertain significance for Dilated cardiomyopathy 1G; Autosomal recessive limb-girdle muscular dystrophy type 2J. Last evaluated: 2017-09-03. Review status: criteria provided, single submitter. Criteria: Invitae Variant Classification Sherloc (09022015). Collection method: clinical testing. Allele origin: germline.
Comment: This sequence change affects codon 19259 of the TTN mRNA. It is a 'silent' change, meaning that it does not change the encoded amino acid sequence of the TTN protein. This variant is present in population databases (rs376930907, ExAC 0.006%). This variant has not been reported in the literature in individuals with TTN-related disease. ClinVar contains an entry for this variant (Variation ID: 281667). Algorithms developed to predict the effect of sequence changes on RNA splicing suggest that this variant may create or strengthen a splice site, but this prediction has not been confirmed by published transcriptional studies. This variant identified in the TTN gene is located in the A band of the resulting protein (PMID: 25589632). It is unclear how this variant impacts the function of this protein. In summary, the available evidence is currently insufficient to determine the role of this variant in disease. Therefore, it has been classified as a Variant of Uncertain Significance.

Eurofins Ntd Llc (ga)
Classification: Uncertain significance. Last evaluated: 2015-07-10. Review status: criteria provided, single submitter. Criteria: EGL Classification Definitions 2015. Collection method: clinical testing. Allele origin: germline. Observed: 1 variant allele, 1 heterozygote.

Literature cited by the submitters: PubMed 25589632 (cited by Labcorp Genetics (formerly Invitae), Labcorp).

NM_001267550.2(TTN):c.57777G>A (p.Ala19259=)

Genes: TTN (titin; minus strand), TTN-AS1 (TTN antisense RNA 1; plus strand). Cytogenetic location: 2q31.2.
Variant type: single nucleotide variant.
Coding change: c.57777G>A on transcript NM_001267550.2 (MANE Select); coding-DNA position 57777, G replaced by A.
Protein change: p.Ala19259=; no amino-acid change (alanine 19259 retained).
Molecular consequence: synonymous variant.
Genome position (GRCh38, 1-based): chr2:178,595,577, C>T on the plus strand (G>A on the coding strand, the complement: TTN is on the minus strand). VCF-style: chr2-178595577-C-T. GRCh37 (hg19) VCF-style: chr2-179460304-C-T.
Other names: c.52854G>A, p.Ala17618= (NM_001256850.1); c.30582G>A, p.Ala10194= (NM_003319.4); c.50073G>A, p.Ala16691= (NM_133378.4); c.30957G>A, p.Ala10319= (NM_133432.3); c.31158G>A, p.Ala10386= (NM_133437.4).
Identifiers: ClinVar variation 281667 (VCV000281667.8), dbSNP rs376930907, ClinGen allele CA1992998.